The following is an entry in ClinVar:

ClinVar aggregate classification (germline): Uncertain significance (1 of 4 stars; one submission).

Allele frequency attached by ClinVar (database versions not stated): gnomAD exomes below 0.00001.
gnomAD v4.1: 1 of 1,258,862 alleles (0.000079%); highest among the groups gnomAD compares: Admixed American, 0.004%; no homozygotes.

Submission:

Labcorp Genetics (formerly Invitae), Labcorp
Classification: Uncertain significance. Last evaluated: 2021-07-24. Review status: criteria provided, single submitter. Criteria: Invitae Variant Classification Sherloc (09022015). Collection method: clinical testing. Allele origin: germline.
Comment: This sequence change falls in intron 1 of the COX20 gene. It does not directly change the encoded amino acid sequence of the COX20 protein. It affects a nucleotide within the consensus splice site of the intron. The frequency data for this variant in the population databases is considered unreliable, as metrics indicate insufficient coverage at this position in the ExAC database. This variant has not been reported in the literature in individuals affected with COX20-related conditions. Nucleotide substitutions within the consensus splice site are a relatively common cause of aberrant splicing (PMID: 17576681, 9536098). Algorithms developed to predict the effect of sequence changes on RNA splicing suggest that this variant may disrupt the consensus splice site. In summary, the available evidence is currently insufficient to determine the role of this variant in disease. Therefore, it has been classified as a Variant of Uncertain Significance.

Literature cited by the submitters: PubMed 17576681; PubMed 9536098.

NM_198076.6(COX20):c.42+5C>T

Genes: COX20 (cytochrome c oxidase assembly factor COX20; plus strand), LOC129932912 (ATAC-STARR-seq lymphoblastoid silent region 2019; plus strand). Cytogenetic location: 1q44.
Variant type: single nucleotide variant.
Coding change: c.42+5C>T on transcript NM_198076.6 (MANE Select); 5 bases into the intron after coding-DNA position 42, C replaced by T.
Molecular consequence: intron variant.
Genome position (GRCh38, 1-based): chr1:244,835,761, C>T. VCF-style: chr1-244835761-C-T. GRCh37 (hg19) VCF-style: chr1-244999063-C-T.
Other names: c.42+5C>T (NM_001312871.1, NM_001312872.1, NM_001312874.1); c.22+25C>T (NM_001312873.1).
Identifiers: ClinVar variation 1515041 (VCV001515041.3), dbSNP rs2102967928, ClinGen allele CA2573132987.